The following is an entry in ClinVar:

NM_000179.3(MSH6):c.4068_*1dup (p.Leu1356_Ter1361=)

Gene: MSH6 (mutS homolog 6; plus strand). Cytogenetic location: 2p16.3.
Variant type: Duplication.
Coding change: c.4068_*1dup on transcript NM_000179.3 (MANE Select); coding-DNA position 4068 through 1 bases downstream of the stop codon, 17 bases duplicated (GATTAAGGAATTATAGA).
Protein change: p.Leu1356_Ter1361=.
Molecular consequence: no sequence alteration. On other transcripts: 3 prime UTR variant (5), non-coding transcript variant (5), frameshift variant (1).
Genome position (GRCh38, 1-based): chr2:47,806,845-47,806,861, GATTAAGGAATTATAGA duplicated. VCF-style (leftmost placement, unchanged base first): chr2-47806844-T-TGATTAAGGAATTATAGA. GRCh37 (hg19) VCF-style: chr2-48033983-T-TGATTAAGGAATTATAGA.
Other names: c.3678_*1dup, p.Leu1226_Ter1231= (NM_001281492.2); c.3162_*1dup, p.Leu1054_Ter1059= (NM_001281493.2, NM_001281494.2, NM_001406811.1 and 6 more transcripts); c.4164_*1dup, p.Leu1388_Ter1393= (NM_001406795.1); c.4068_*1dup, p.Leu1356_Ter1361= (NM_001406796.1, NM_001406809.1); c.3771_*1dup, p.Leu1257_Ter1262= (NM_001406797.1, NM_001406805.1, NM_001406818.1 and 8 more transcripts); c.3894_*1dup, p.Leu1298_Ter1303= (NM_001406798.1); c.3543_*1dup, p.Leu1181_Ter1186= (NM_001406799.1, NM_001406806.1, NM_001406807.1); c.*89_*105dup (NM_001406800.1); and 10 more.
Identifiers: ClinVar variation 479942 (VCV000479942.9), dbSNP rs1553334089, ClinGen allele CA658655789.
Genomic context (GRCh38, chr2:47,806,844, plus strand): 5'-TTTGCCTGGCTAGTGAAAGGTCAACTGTAGATGCTGAAGCTGTCCATAAATTGCTGACTT[T>TGATTAAGGAATTATAGA]GATTAAGGAATTATAGACTGACTACATTGGAAGCTTTGAGTTGACTTCTGACAAAGGTGG-3'

ClinVar aggregate classification (germline): Conflicting classifications of pathogenicity. Review status: criteria provided, conflicting classifications (1 of 4 stars). 4 submissions from 4 submitters: Uncertain significance (3); Benign (1). Last evaluated 2025-01-09.

Conditions:
Hereditary nonpolyposis colorectal neoplasms. Identifiers: MedGen C0009405, MeSH D003123.
Hereditary cancer-predisposing syndrome. Also called: Tumor predisposition; Hereditary Cancer Syndrome; Neoplastic Syndromes, Hereditary; Hereditary neoplastic syndrome. Identifiers: Orphanet 140162, MedGen C0027672, MeSH D009386, MONDO:0015356.
Lynch syndrome 5 (LYNCH5). Also called: Colorectal cancer, hereditary nonpolyposis, type 5; Hereditary non-polyposis colorectal cancer, type 5. Identifiers: Orphanet 144, MedGen C1833477, MONDO:0013710, OMIM 614350. Disease mechanism: loss of function.

Allele frequency attached by ClinVar (database versions not stated): gnomAD exomes below 0.00001.

Submissions (4):

Myriad Genetics, Inc.
Classification: Benign for Lynch syndrome 5. Last evaluated: 2025-01-09. Review status: criteria provided, single submitter. Criteria: Myriad Autosomal Dominant, Autosomal Recessive and X-Linked Classification Criteria (2023). Collection method: clinical testing. Allele origin: unknown.
Comment: This variant is considered benign. This variant occurs in the non-coding 3' untranslated region of the gene, and is not expected to impact protein function.

Labcorp Genetics (formerly Invitae), Labcorp
Classification: Uncertain significance for Hereditary nonpolyposis colorectal neoplasms. Last evaluated: 2024-03-10. Review status: criteria provided, single submitter. Criteria: Invitae Variant Classification Sherloc (09022015). Collection method: clinical testing. Allele origin: germline.
Comment: This variant occurs in a non-coding region of the MSH6 gene. It does not change the encoded amino acid sequence of the MSH6 protein. This variant is not present in population databases (gnomAD no frequency). This variant has been observed in individual(s) with prostate cancer (PMID: 26556299). ClinVar contains an entry for this variant (Variation ID: 479942). Experimental studies and prediction algorithms are not available or were not evaluated, and the functional significance of this variant is currently unknown. In summary, the available evidence is currently insufficient to determine the role of this variant in disease. Therefore, it has been classified as a Variant of Uncertain Significance.

Blueprint Genetics
Classification: Uncertain significance. Last evaluated: 2022-04-20. Review status: criteria provided, single submitter. Criteria: ACMG Guidelines, 2015. Collection method: clinical testing. Allele origin: germline.

Ambry Genetics
Classification: Uncertain significance for Hereditary cancer-predisposing syndrome. Last evaluated: 2018-03-13. Review status: criteria provided, single submitter. Criteria: Ambry Variant Classification Scheme 2023. Collection method: clinical testing. Allele origin: germline.
Comment: The c.4068_*1dup17 alteration extends from coding exon 10 to the 3' untranslated region (3&rsquo;UTR) of the MSH6 gene. This variant results from an duplication of 17 nucleotides at positions 4068 to one nucleotide in to the 3' untranslated region (3&rsquo;UTR). The duplicated nucleotide region is generally well conserved in available vertebrate species. Since supporting evidence is limited at this time, the clinical significance of this alteration remains unclear.

Literature cited by the submitters: PubMed 26556299 (cited by Labcorp Genetics (formerly Invitae), Labcorp and Ambry Genetics).